The following is an entry in ClinVar:

NM_000059.4(BRCA2):c.3096A>C (p.Lys1032Asn)

Gene: BRCA2 (BRCA2 DNA repair associated; plus strand). Cytogenetic location: 13q13.1.
Variant type: single nucleotide variant.
Coding change: c.3096A>C on transcript NM_000059.4 (MANE Select); coding-DNA position 3096, A replaced by C.
Protein change: p.Lys1032Asn; replaces lysine 1032 with asparagine.
Molecular consequence: missense variant. On other transcripts: non-coding transcript variant (1), intron variant (2).
Genome position (GRCh38, 1-based): chr13:32,337,451, A>C. VCF-style: chr13-32337451-A-C. GRCh37 (hg19) VCF-style: chr13-32911588-A-C.
Other names: c.1909+4064A>C (NM_001406721.1); c.424+6421A>C (NM_001406722.1); c.3096A>C, p.Lys1032Asn (NM_001406720.1, NM_001406719.1); short protein forms K1032N.
Identifiers: ClinVar variation 2771504 (VCV002771504.3), dbSNP rs1555283050, ClinGen allele CA387775308.

ClinVar aggregate classification (germline): Uncertain significance (1 of 4 stars; one submission).

Conditions:
Hereditary breast ovarian cancer syndrome. Also called: Hereditary breast and ovarian cancer syndrome; Hereditary breast and ovarian cancer syndrome (HBOC); BRCA1- and BRCA2-Associated Hereditary Breast and Ovarian Cancer; Hereditary breast and ovarian cancer; Breast and ovarian cancer; Hereditary breast and/or ovarian cancer syndrome. Identifiers: Orphanet 145, MedGen C0677776, MeSH D061325, MONDO:0003582. Disease mechanism: loss of function.

Submission:

Labcorp Genetics (formerly Invitae), Labcorp
Classification: Uncertain significance for Hereditary breast ovarian cancer syndrome. Last evaluated: 2023-10-24. Review status: criteria provided, single submitter. Criteria: Invitae Variant Classification Sherloc (09022015). Collection method: clinical testing. Allele origin: germline.
Comment: This sequence change replaces lysine, which is basic and polar, with asparagine, which is neutral and polar, at codon 1032 of the BRCA2 protein (p.Lys1032Asn). This variant is not present in population databases (gnomAD no frequency). This variant has not been reported in the literature in individuals affected with BRCA2-related conditions. Advanced modeling of protein sequence and biophysical properties (such as structural, functional, and spatial information, amino acid conservation, physicochemical variation, residue mobility, and thermodynamic stability) performed at Invitae indicates that this missense variant is not expected to disrupt BRCA2 protein function with a negative predictive value of 95%. In summary, the available evidence is currently insufficient to determine the role of this variant in disease. Therefore, it has been classified as a Variant of Uncertain Significance.